The following is an entry in ClinVar:

ClinVar aggregate classification (germline): Uncertain significance. Review status: criteria provided, multiple submitters, no conflicts (2 of 4 stars). 2 submissions from 2 submitters: Uncertain significance (2). Last evaluated 2023-07-25.

Conditions:
Inborn genetic diseases. Identifiers: MedGen C0950123, MeSH D030342.

Submissions (2):

Ambry Genetics
Classification: Uncertain significance for Inborn genetic diseases. Last evaluated: 2023-07-25. Review status: criteria provided, single submitter. Criteria: Ambry Variant Classification Scheme 2023. Collection method: clinical testing. Allele origin: germline.

GeneDx
Classification: Uncertain significance. Last evaluated: 2023-03-22. Review status: criteria provided, single submitter. Criteria: GeneDx Variant Classification Process June 2021. Collection method: clinical testing. Allele origin: germline. Affected: yes.
Comment: Not observed at significant frequency in large population cohorts (gnomAD); In silico analysis supports that this missense variant does not alter protein structure/function; Has not been previously published as pathogenic or benign to our knowledge

NM_001353345.2(SETD1B):c.3440C>G (p.Thr1147Ser)

Gene: SETD1B (SET domain containing 1B, histone lysine methyltransferase; plus strand). Cytogenetic location: 12q24.31.
Variant type: single nucleotide variant.
Coding change: c.3440C>G on transcript NM_001353345.2 (MANE Select); coding-DNA position 3440, C replaced by G.
Protein change: p.Thr1147Ser; replaces threonine 1147 with serine.
Molecular consequence: missense variant.
Genome position (GRCh38, 1-based): chr12:121,819,425, C>G. VCF-style: chr12-121819425-C-G. GRCh37 (hg19) VCF-style: chr12-122257331-C-G.
Other names: NM_015048.1:c.3311C>G; short protein forms T1147S.
Identifiers: ClinVar variation 2580423 (VCV002580423.3), dbSNP rs1312599691, ClinGen allele CA386996901.
Genomic context (GRCh38, chr12:121,819,425, plus strand): 5'-GGGTCCTCAGGCAGCCCCTCGTCTGTGTCCCCCATCCAGAGGAGACAGTGAGCATTGTAA[C>G]CTCCAAGGCCGAAGCCACGTCGTCCAGTGAGAGTTCCGAGTCTTCTGAGTTTGAGTCAAG-3'
Protein context (NP_001340274.1, residues 1137-1157): SDEEETVSIV[Thr1147Ser]SKAEATSSSE